The following is an entry in ClinVar:

NM_006343.3(MERTK):c.1436T>A (p.Phe479Tyr)

Gene: MERTK (MER proto-oncogene, tyrosine kinase; plus strand). Cytogenetic location: 2q13.
Variant type: single nucleotide variant.
Coding change: c.1436T>A on transcript NM_006343.3 (MANE Select); coding-DNA position 1436, T replaced by A.
Protein change: p.Phe479Tyr; replaces phenylalanine 479 with tyrosine.
Molecular consequence: missense variant.
Genome position (GRCh38, 1-based): chr2:111,994,390, T>A. VCF-style: chr2-111994390-T-A. GRCh37 (hg19) VCF-style: chr2-112751967-T-A.
Other names: short protein forms F479Y.
Identifiers: ClinVar variation 330756 (VCV000330756.12), dbSNP rs145142422, ClinGen allele CA1831383.

ClinVar aggregate classification (germline): Uncertain significance. Review status: criteria provided, multiple submitters, no conflicts (2 of 4 stars). 4 submissions from 4 submitters: Uncertain significance (4). Last evaluated 2023-03-29.

Conditions:
Retinitis pigmentosa (RP). Identifiers: Orphanet 791, MedGen C0035334, MeSH D012174, MONDO:0019200, OMIM 268000. Inheritance: Autosomal dominant, autosomal recessive and X linked inheritance.
Inborn genetic diseases. Identifiers: MedGen C0950123, MeSH D030342.

Allele frequency attached by ClinVar (database versions not stated): TOPMed 0.00003; gnomAD 0.00005; ExAC 0.00006; ESP Exome Variant Server 0.00015.
gnomAD v4.1: 209 of 1,613,998 alleles (0.013%); highest among the groups gnomAD compares: Non-Finnish European, 0.017%; no homozygotes.

Submissions (4):

Blueprint Genetics
Classification: Uncertain significance. Last evaluated: 2023-03-29. Review status: criteria provided, single submitter. Criteria: ACMG Guidelines, 2015. Collection method: clinical testing. Allele origin: germline.

Ambry Genetics
Classification: Uncertain significance for Inborn genetic diseases. Last evaluated: 2022-10-04. Review status: criteria provided, single submitter. Criteria: Ambry Variant Classification Scheme 2023. Collection method: clinical testing. Allele origin: germline.

Labcorp Genetics (formerly Invitae), Labcorp
Classification: Uncertain significance. Last evaluated: 2022-08-16. Review status: criteria provided, single submitter. Criteria: Invitae Variant Classification Sherloc (09022015). Collection method: clinical testing. Allele origin: germline.
Comment: This sequence change replaces phenylalanine, which is neutral and non-polar, with tyrosine, which is neutral and polar, at codon 479 of the MERTK protein (p.Phe479Tyr). This variant is present in population databases (rs145142422, gnomAD 0.009%). This variant has not been reported in the literature in individuals affected with MERTK-related conditions. ClinVar contains an entry for this variant (Variation ID: 330756). Algorithms developed to predict the effect of missense changes on protein structure and function are either unavailable or do not agree on the potential impact of this missense change (SIFT: "Tolerated"; PolyPhen-2: "Possibly Damaging"; Align-GVGD: "Class C0"). In summary, the available evidence is currently insufficient to determine the role of this variant in disease. Therefore, it has been classified as a Variant of Uncertain Significance.

Illumina Laboratory Services, Illumina
Classification: Uncertain significance for Retinitis pigmentosa. Last evaluated: 2018-01-13. Review status: criteria provided, single submitter. Criteria: ICSL Variant Classification Criteria 13 December 2019. Collection method: clinical testing. Allele origin: germline.